The following is an entry in ClinVar:

ClinVar aggregate classification (germline): Uncertain significance (1 of 4 stars; one submission).

Conditions:
Hereditary cancer-predisposing syndrome. Also called: Neoplastic Syndromes, Hereditary; Hereditary Cancer Syndrome; Tumor predisposition; Hereditary neoplastic syndrome. Identifiers: Orphanet 140162, MedGen C0027672, MeSH D009386, MONDO:0015356.

Submission:

Ambry Genetics
Classification: Uncertain significance for Hereditary cancer-predisposing syndrome. Last evaluated: 2025-01-17. Review status: criteria provided, single submitter. Criteria: Ambry Variant Classification Scheme 2023. Collection method: clinical testing. Allele origin: germline.
Comment: The c.3795+1G>A intronic variant results from a G to A substitution one nucleotide after coding exon 30 of the POLE gene. Alterations that disrupt the canonical splice site are expected to cause aberrant splicing. In silico splice site analysis predicts that this alteration will weaken the native splice donor site. The resulting transcript is predicted to be in-frame and is not expected to trigger nonsense-mediated mRNA decay; although, direct evidence is unavailable. This nucleotide position is highly conserved in available vertebrate species. Based on the available evidence, the clinical significance of this variant remains unclear.

NM_006231.4(POLE):c.3795+1G>A

Gene: POLE (DNA polymerase epsilon, catalytic subunit; minus strand). Cytogenetic location: 12q24.33.
Variant type: single nucleotide variant.
Coding change: c.3795+1G>A on transcript NM_006231.4 (MANE Select); the canonical splice donor site of the intron after coding-DNA position 3795, G replaced by A.
Molecular consequence: splice donor variant.
Genome position (GRCh38, 1-based): chr12:132,649,676, C>T on the plus strand (G>A on the coding strand, the complement: POLE is on the minus strand). VCF-style: chr12-132649676-C-T. GRCh37 (hg19) VCF-style: chr12-133226262-C-T.
Identifiers: ClinVar variation 3781549 (VCV003781549.1).